The following is an entry in ClinVar:

NM_001005373.4(LRSAM1):c.619+13C>T

Gene: LRSAM1 (leucine rich repeat and sterile alpha motif containing 1; plus strand). Cytogenetic location: 9q33.3.
Variant type: single nucleotide variant.
Coding change: c.619+13C>T on transcript NM_001005373.4 (MANE Select); 13 bases into the intron after coding-DNA position 619, C replaced by T.
Molecular consequence: intron variant.
Genome position (GRCh38, 1-based): chr9:127,467,843, C>T. VCF-style: chr9-127467843-C-T. GRCh37 (hg19) VCF-style: chr9-130230122-C-T.
Other names: c.619+13C>T (NM_138361.5, NM_001384142.1, NM_001384143.1 and 2 more transcripts); c.-166+13C>T (NM_001384144.1).
Identifiers: ClinVar variation 383687 (VCV000383687.12), dbSNP rs148704769, ClinGen allele CA5246618.

ClinVar aggregate classification (germline): Benign/Likely benign. Review status: criteria provided, multiple submitters, no conflicts (2 of 4 stars). 3 submissions from 3 submitters: Benign (1); Likely benign (2). Last evaluated 2025-12-26.

Conditions:
Charcot-Marie-Tooth disease axonal type 2P. Also called: CHARCOT-MARIE-TOOTH NEUROPATHY, TYPE 2P; Charcot-Marie-Tooth Neuropathy Type 2G; CHARCOT-MARIE-TOOTH DISEASE, AXONAL, TYPE 2G; CMT 2G. Identifiers: Orphanet 300319, Orphanet 99941, MedGen C3280797, MONDO:0013753, OMIM 614436.

Allele frequency attached by ClinVar (database versions not stated): gnomAD 0.00005 and 0.00014; ESP Exome Variant Server 0.00008; TOPMed 0.00008; gnomAD exomes 0.00030 and 0.00044; 1000 Genomes Project 30x 0.00047; 1000 Genomes Project 0.00060; ExAC 0.00089.
gnomAD v4.1: 632 of 1,568,106 alleles (0.04%); highest among the groups gnomAD compares: East Asian, 1.1%; 10 homozygotes.

Submissions (3):

Labcorp Genetics (formerly Invitae), Labcorp
Classification: Likely benign for Charcot-Marie-Tooth disease axonal type 2P. Last evaluated: 2025-12-26. Review status: criteria provided, single submitter. Criteria: Invitae Variant Classification Sherloc (09022015). Collection method: clinical testing. Allele origin: germline.

Illumina Laboratory Services, Illumina
Classification: Benign for Charcot-Marie-Tooth disease axonal type 2P. Last evaluated: 2018-01-13. Review status: criteria provided, single submitter. Criteria: ICSL Variant Classification Criteria 13 December 2019. Collection method: clinical testing. Allele origin: germline.
Comment: This variant was observed in the ICSL laboratory as part of a predisposition screen in an ostensibly healthy population. It had not been previously curated by ICSL or reported in the Human Gene Mutation Database (HGMD: prior to June 1st, 2018), and was therefore a candidate for classification through an automated scoring system. Utilizing variant allele frequency, disease prevalence and penetrance estimates, and inheritance mode, an automated score was calculated to assess if this variant is too frequent to cause the disease. Based on the score and internal cut-off values, a variant classified as benign is not then subjected to further curation. The score for this variant resulted in a classification of benign for this disease.

GeneDx
Classification: Likely benign. Last evaluated: 2016-02-16. Review status: criteria provided, single submitter. Criteria: GeneDx Variant Classification (06012015). Collection method: clinical testing. Allele origin: germline. Affected: yes.
Comment: This variant is considered likely benign or benign based on one or more of the following criteria: it is a conservative change, it occurs at a poorly conserved position in the protein, it is predicted to be benign by multiple in silico algorithms, and/or has population frequency not consistent with disease.